The following is an entry in ClinVar:

ClinVar aggregate classification (germline): Uncertain significance (1 of 4 stars; one submission).

Conditions:
Congenital myasthenic syndrome 10. Also called: Myasthenia, limb-girdle, familial. Identifiers: Orphanet 590, MedGen C1850792, MONDO:0009690, OMIM 254300.
Fetal akinesia deformation sequence 1 (FADS1). Also called: Fetal akinesia sequence; Pena-Shokeir syndrome type I. Identifiers: Orphanet 994, MedGen C1276035, MONDO:0100101, OMIM 208150, HP:0001989.

Allele frequency attached by ClinVar (database versions not stated): gnomAD exomes 0.00001 and 0.00002; gnomAD 0.00002.
gnomAD v4.1: 20 of 1,565,660 alleles (0.0013%); highest among the groups gnomAD compares: Non-Finnish European, 0.0016%; no homozygotes.

Submission:

Labcorp Genetics (formerly Invitae), Labcorp
Classification: Uncertain significance for Congenital myasthenic syndrome 10; Fetal akinesia deformation sequence 1. Last evaluated: 2022-03-18. Review status: criteria provided, single submitter. Criteria: Invitae Variant Classification Sherloc (09022015). Collection method: clinical testing. Allele origin: germline.
Comment: This sequence change replaces glycine, which is neutral and non-polar, with aspartic acid, which is acidic and polar, at codon 109 of the DOK7 protein (p.Gly109Asp). This variant is present in population databases (no rsID available, gnomAD 0.004%). This missense change has been observed in individual(s) with clinical features of congenital myasthenic syndrome (Invitae). In at least one individual the data is consistent with being in trans (on the opposite chromosome) from a pathogenic variant. ClinVar contains an entry for this variant (Variation ID: 955068). Algorithms developed to predict the effect of missense changes on protein structure and function are either unavailable or do not agree on the potential impact of this missense change (SIFT: "Deleterious"; PolyPhen-2: "Probably Damaging"; Align-GVGD: "Class C0"). This variant disrupts the p.Gly109 amino acid residue in DOK7. Other variant(s) that disrupt this residue have been observed in individuals with DOK7-related conditions (PMID: 20554332, 22661499), which suggests that this may be a clinically significant amino acid residue. In summary, the available evidence is currently insufficient to determine the role of this variant in disease. Therefore, it has been classified as a Variant of Uncertain Significance.

Literature cited by the submitters: PubMed 20554332; PubMed 22661499.

NM_173660.5(DOK7):c.326G>A (p.Gly109Asp)

Gene: DOK7 (docking protein 7; plus strand). Cytogenetic location: 4p16.3.
Variant type: single nucleotide variant.
Coding change: c.326G>A on transcript NM_173660.5 (MANE Select); coding-DNA position 326, G replaced by A.
Protein change: p.Gly109Asp; replaces glycine 109 with aspartic acid.
Molecular consequence: missense variant. On other transcripts: intron variant (1).
Genome position (GRCh38, 1-based): chr4:3,473,631, G>A. VCF-style: chr4-3473631-G-A. GRCh37 (hg19) VCF-style: chr4-3475358-G-A.
Other names: c.326G>A, p.Gly109Asp (NM_001164673.2, NM_001301071.2); c.100+10080G>A (NM_001363811.2); short protein forms G109D.
Identifiers: ClinVar variation 955068 (VCV000955068.7), dbSNP rs1319317420, ClinGen allele CA356113783.